The following is an entry in ClinVar:

NM_000276.4(OCRL):c.2126G>C (p.Ser709Thr)

Gene: OCRL (OCRL inositol polyphosphate-5-phosphatase; plus strand). Cytogenetic location: Xq26.1.
Variant type: single nucleotide variant.
Coding change: c.2126G>C on transcript NM_000276.4 (MANE Select); coding-DNA position 2126, G replaced by C.
Protein change: p.Ser709Thr; replaces serine 709 with threonine.
Molecular consequence: missense variant. On other transcripts: intron variant (1).
Genome position (GRCh38, 1-based): chrX:129,584,354, G>C. VCF-style: chrX-129584354-G-C. GRCh37 (hg19) VCF-style: chrX-128718331-G-C.
Other names: c.2129G>C, p.Ser710Thr (NM_001318784.2); c.2116-2648G>C (NM_001587.4); short protein forms S709T, S710T.
Identifiers: ClinVar variation 4753818 (VCV004753818.1).

ClinVar aggregate classification (germline): Uncertain significance (1 of 4 stars; one submission).

Conditions:
Lowe syndrome (OCRL). Also called: LOWE OCULOCEREBRORENAL SYNDROME; PHOSPHATIDYLINOSITOL 4,5-BISPHOSPHATE 5-PHOSPHATASE DEFICIENCY; Oculocerebrorenal Syndrome. Identifiers: Orphanet 534, MedGen C0028860, MONDO:0010645, OMIM 309000.

Submission:

Labcorp Genetics (formerly Invitae), Labcorp
Classification: Uncertain significance for Lowe syndrome. Last evaluated: 2025-05-11. Review status: criteria provided, single submitter. Criteria: Invitae Variant Classification Sherloc (09022015). Collection method: clinical testing. Allele origin: germline.
Comment: This sequence change replaces serine, which is neutral and polar, with threonine, which is neutral and polar, at codon 709 of the OCRL protein (p.Ser709Thr). This variant is not present in population databases (gnomAD no frequency). This variant has not been reported in the literature in individuals affected with OCRL-related conditions. Invitae Evidence Modeling of protein sequence and biophysical properties (such as structural, functional, and spatial information, amino acid conservation, physicochemical variation, residue mobility, and thermodynamic stability) indicates that this missense variant is not expected to disrupt OCRL protein function with a negative predictive value of 95%. In summary, the available evidence is currently insufficient to determine the role of this variant in disease. Therefore, it has been classified as a Variant of Uncertain Significance.